The following is an entry in ClinVar:

NM_004369.4(COL6A3):c.4060G>C (p.Asp1354His)

Gene: COL6A3 (collagen type VI alpha 3 chain; minus strand). Cytogenetic location: 2q37.3.
Variant type: single nucleotide variant.
Coding change: c.4060G>C on transcript NM_004369.4 (MANE Select); coding-DNA position 4060, G replaced by C.
Protein change: p.Asp1354His; replaces aspartic acid 1354 with histidine.
Molecular consequence: missense variant.
Genome position (GRCh38, 1-based): chr2:237,371,957, C>G on the plus strand (G>C on the coding strand, the complement: COL6A3 is on the minus strand). VCF-style: chr2-237371957-C-G. GRCh37 (hg19) VCF-style: chr2-238280600-C-G.
Other names: c.2839G>C, p.Asp947His (NM_057164.5); c.3442G>C, p.Asp1148His (NM_057165.5, NM_057167.4); c.2239G>C, p.Asp747His (NM_057166.5); short protein forms D1354H, D1148H, D747H, D947H.
Identifiers: ClinVar variation 3023515 (VCV003023515.3), dbSNP rs559206141, ClinGen allele CA2189004.

ClinVar aggregate classification (germline): Uncertain significance (1 of 4 stars; one submission).

Conditions:
Bethlem myopathy 1A. Also called: MYOPATHY, BENIGN CONGENITAL, WITH CONTRACTURES; Bethlem myopathy 1; Bethlem Muscular Dystrophy. Identifiers: Orphanet 610, MedGen CN029274, MONDO:0024530, OMIM 158810.

Allele frequency attached by ClinVar (database versions not stated): ExAC 0.00002.
gnomAD v4.1: 2 of 1,614,112 alleles (0.00012%); highest among the groups gnomAD compares: South Asian, 0.0022%; no homozygotes.

Submission:

Labcorp Genetics (formerly Invitae), Labcorp
Classification: Uncertain significance for Bethlem myopathy 1A. Last evaluated: 2023-06-16. Review status: criteria provided, single submitter. Criteria: Invitae Variant Classification Sherloc (09022015). Collection method: clinical testing. Allele origin: germline.
Comment: This variant is present in population databases (rs559206141, gnomAD 0.006%). This variant has not been reported in the literature in individuals affected with COL6A3-related conditions. Advanced modeling of protein sequence and biophysical properties (such as structural, functional, and spatial information, amino acid conservation, physicochemical variation, residue mobility, and thermodynamic stability) performed at Invitae indicates that this missense variant is not expected to disrupt COL6A3 protein function. In summary, the available evidence is currently insufficient to determine the role of this variant in disease. Therefore, it has been classified as a Variant of Uncertain Significance. This sequence change replaces aspartic acid, which is acidic and polar, with histidine, which is basic and polar, at codon 1354 of the COL6A3 protein (p.Asp1354His).